The following is an entry in ClinVar:

ClinVar aggregate classification (germline): Uncertain significance (1 of 4 stars; one submission).

Conditions:
Neurofibromatosis, type 2 (SWNV). Also called: BILATERAL ACOUSTIC NEUROFIBROMATOSIS; SCHWANNOMATOSIS, VESTIBULAR; NF2-Related Schwannomatosis. Identifiers: Orphanet 637, MedGen C0027832, MONDO:0007039, OMIM 101000. Disease mechanism: loss of function.

Submission:

Labcorp Genetics (formerly Invitae), Labcorp
Classification: Uncertain significance for Neurofibromatosis, type 2. Last evaluated: 2024-05-08. Review status: criteria provided, single submitter. Criteria: Invitae Variant Classification Sherloc (09022015). Collection method: clinical testing. Allele origin: germline.
Comment: This sequence change affects an acceptor splice site in intron 15 of the NF2 gene. While this variant is not anticipated to result in nonsense mediated decay, it likely alters RNA splicing and results in a disrupted protein product. This variant is not present in population databases (gnomAD no frequency). This variant has not been reported in the literature in individuals affected with NF2-related conditions. Variants that disrupt the consensus splice site are a relatively common cause of aberrant splicing (PMID: 17576681, 9536098). Algorithms developed to predict the effect of sequence changes on RNA splicing suggest that this variant may disrupt the consensus splice site. In summary, the available evidence is currently insufficient to determine the role of this variant in disease. Therefore, it has been classified as a Variant of Uncertain Significance.

Literature cited by the submitters: PubMed 17576681; PubMed 9536098.

NM_000268.4(NF2):c.1738-1G>A

Gene: NF2 (NF2, moesin-ezrin-radixin like (MERLIN) tumor suppressor; plus strand). Cytogenetic location: 22q12.2.
Variant type: single nucleotide variant.
Coding change: c.1738-1G>A on transcript NM_000268.4 (MANE Select); the canonical splice acceptor site of the intron before coding-DNA position 1738, G replaced by A.
Molecular consequence: splice acceptor variant.
Genome position (GRCh38, 1-based): chr22:29,694,751, G>A. VCF-style: chr22-29694751-G-A. GRCh37 (hg19) VCF-style: chr22-30090740-G-A.
Other names: c.*10-1G>A (NM_016418.5, NM_001407056.1, NM_001407067.1 and 5 more transcripts); c.1624-1G>A (NM_001407053.1); c.*25-1G>A (NM_181832.3, NM_001407058.1, NM_001407063.1); c.1575-1G>A (NM_001407060.1); c.1603-1G>A (NM_001407057.1); c.448-1G>A (NM_181833.3); c.1615-1G>A (NM_001407054.1); c.1480-1G>A (NM_001407062.1); and 2 more.
Identifiers: ClinVar variation 3648188 (VCV003648188.2).